The following is an entry in ClinVar:

ClinVar aggregate classification (germline): Uncertain significance. Review status: criteria provided, multiple submitters, no conflicts (2 of 4 stars). 3 submissions from 3 submitters: Uncertain significance (3). Last evaluated 2026-06-22.

Conditions:
Hereditary cancer-predisposing syndrome. Also called: Neoplastic Syndromes, Hereditary; Tumor predisposition; Hereditary Cancer Syndrome; Hereditary neoplastic syndrome. Identifiers: Orphanet 140162, MedGen C0027672, MeSH D009386, MONDO:0015356.
Familial cancer of breast. Also called: Hereditary breast cancer; BREAST CANCER, FAMILIAL; hereditary breast carcinoma. Identifiers: Orphanet 227535, MedGen C0346153, MONDO:0016419, OMIM 114480. Disease mechanism: loss of function.

Allele frequency attached by ClinVar (database versions not stated): TOPMed below 0.00001.

Submissions (3):

Women's Health and Genetics/Laboratory Corporation of America, LabCorp
Classification: Uncertain significance. Last evaluated: 2026-06-22. Review status: criteria provided, single submitter. Criteria: LabCorp Variant Classification Summary - May 2015. Collection method: clinical testing. Allele origin: germline.
Comment: Variant summary: CHEK2 c.418A>G (p.Ser140Gly) results in a non-conservative amino acid change in the encoded protein sequence. Algorithms developed to predict the effect of missense changes on protein structure and function all suggest that this variant is likely to be disruptive. The frequency data for this variant in gnomAD is considered unreliable, as metrics indicate poor data quality at this position. c.418A>G has been observed in individuals affected with breast cancer (Lolas_2017, Girard_2018, Ullah_2026). These reports do not provide unequivocal conclusions about association of the variant with disease. At least one publication reports experimental evidence evaluating an impact on protein function, however, does not allow convincing conclusions about the variant effect (Stolarova_2023). The following publications have been ascertained in the context of this evaluation (PMID: 30303537, 28486781, 37449874, 41851140). ClinVar contains an entry for this variant (Variation ID: 653164). Based on the evidence outlined above, the variant was classified as uncertain significance.

Ambry Genetics
Classification: Uncertain significance for Hereditary cancer-predisposing syndrome. Last evaluated: 2025-10-08. Review status: criteria provided, single submitter. Criteria: Ambry Variant Classification Scheme 2023. Collection method: clinical testing. Allele origin: germline.
Comment: The p.S140G variant (also known as c.418A>G), located in coding exon 2 of the CHEK2 gene, results from an A to G substitution at nucleotide position 418. The serine at codon 140 is replaced by glycine, an amino acid with similar properties. This amino acid position is highly conserved in available vertebrate species. In addition, this alteration is predicted to be deleterious by in silico analysis. Based on the available evidence, the clinical significance of this variant remains unclear.

Labcorp Genetics (formerly Invitae), Labcorp
Classification: Uncertain significance for Familial cancer of breast. Last evaluated: 2023-08-07. Review status: criteria provided, single submitter. Criteria: Invitae Variant Classification Sherloc (09022015). Collection method: clinical testing. Allele origin: germline.
Comment: In summary, the available evidence is currently insufficient to determine the role of this variant in disease. Therefore, it has been classified as a Variant of Uncertain Significance. An algorithm developed to predict the effect of missense changes on protein structure and function (PolyPhen-2) suggests that this variant is likely to be disruptive. ClinVar contains an entry for this variant (Variation ID: 653164). This missense change has been observed in individual(s) with breast cancer (PMID: 30303537). This variant is not present in population databases (gnomAD no frequency). This sequence change replaces serine, which is neutral and polar, with glycine, which is neutral and non-polar, at codon 140 of the CHEK2 protein (p.Ser140Gly).

Literature cited by the submitters: PubMed 28486781 (cited by Women's Health and Genetics/Laboratory Corporation of America, LabCorp); PubMed 30303537 (cited by Women's Health and Genetics/Laboratory Corporation of America, LabCorp and Labcorp Genetics (formerly Invitae), Labcorp); PubMed 37449874 (cited by Women's Health and Genetics/Laboratory Corporation of America, LabCorp); PubMed 41851140 (cited by Women's Health and Genetics/Laboratory Corporation of America, LabCorp).

NM_007194.4(CHEK2):c.418A>G (p.Ser140Gly)

Gene: CHEK2 (checkpoint kinase 2; minus strand). Cytogenetic location: 22q12.1.
Variant type: single nucleotide variant.
Coding change: c.418A>G on transcript NM_007194.4 (MANE Select); coding-DNA position 418, A replaced by G.
Protein change: p.Ser140Gly; replaces serine 140 with glycine.
Molecular consequence: missense variant.
Genome position (GRCh38, 1-based): chr22:28,725,269, T>C on the plus strand (A>G on the coding strand, the complement: CHEK2 is on the minus strand). VCF-style: chr22-28725269-T-C. GRCh37 (hg19) VCF-style: chr22-29121257-T-C.
Other names: c.547A>G, p.Ser183Gly (NM_001005735.3); c.-360A>G (NM_001257387.3); c.418A>G, p.Ser140Gly (NM_001349956.3, NM_145862.3); short protein forms S140G, S183G.
Identifiers: ClinVar variation 653164 (VCV000653164.11), dbSNP rs1601825241, ClinGen allele CA411107949.